The following is an entry in ClinVar:

ClinVar aggregate classification (germline): Uncertain significance (1 of 4 stars; one submission).

Conditions:
Charcot-Marie-Tooth disease axonal type 2O. Also called: CHARCOT-MARIE-TOOTH NEUROPATHY, AXONAL, TYPE 2O; CHARCOT-MARIE-TOOTH DISEASE, AXONAL, AUTOSOMAL DOMINANT, TYPE 2O; Charcot-Marie-Tooth Neuropathy Type 2O; Charcot-Marie-Tooth disease, axonal, type 20. Identifiers: Orphanet 284232, MedGen C3280220, MONDO:0013644, OMIM 614228.

Submission:

Labcorp Genetics (formerly Invitae), Labcorp
Classification: Uncertain significance for Charcot-Marie-Tooth disease axonal type 2O. Last evaluated: 2023-10-11. Review status: criteria provided, single submitter. Criteria: Invitae Variant Classification Sherloc (09022015). Collection method: clinical testing. Allele origin: germline.
Comment: This sequence change replaces isoleucine, which is neutral and non-polar, with asparagine, which is neutral and polar, at codon 4144 of the DYNC1H1 protein (p.Ile4144Asn). This variant is not present in population databases (gnomAD no frequency). This variant has not been reported in the literature in individuals affected with DYNC1H1-related conditions. Advanced modeling of protein sequence and biophysical properties (such as structural, functional, and spatial information, amino acid conservation, physicochemical variation, residue mobility, and thermodynamic stability) performed at Invitae indicates that this missense variant is not expected to disrupt DYNC1H1 protein function. In summary, the available evidence is currently insufficient to determine the role of this variant in disease. Therefore, it has been classified as a Variant of Uncertain Significance.

NM_001376.5(DYNC1H1):c.12431T>A (p.Ile4144Asn)

Gene: DYNC1H1 (dynein cytoplasmic 1 heavy chain 1; plus strand). Cytogenetic location: 14q32.31.
Variant type: single nucleotide variant.
Coding change: c.12431T>A on transcript NM_001376.5 (MANE Select); coding-DNA position 12431, T replaced by A.
Protein change: p.Ile4144Asn; replaces isoleucine 4144 with asparagine.
Molecular consequence: missense variant.
Genome position (GRCh38, 1-based): chr14:102,042,666, T>A. VCF-style: chr14-102042666-T-A. GRCh37 (hg19) VCF-style: chr14-102509003-T-A.
Other names: short protein forms I4144N.
Identifiers: ClinVar variation 2751577 (VCV002751577.3), dbSNP rs2152596765, ClinGen allele CA391041398.